The following is an entry in ClinVar:

NM_022041.4(GAN):c.1612+13C>G

Gene: GAN (gigaxonin; plus strand). Cytogenetic location: 16q23.2.
Variant type: single nucleotide variant.
Coding change: c.1612+13C>G on transcript NM_022041.4 (MANE Select); 13 bases into the intron after coding-DNA position 1612, C replaced by G.
Molecular consequence: intron variant.
Genome position (GRCh38, 1-based): chr16:81,377,341, C>G. VCF-style: chr16-81377341-C-G. GRCh37 (hg19) VCF-style: chr16-81410946-C-G.
Other names: c.973+13C>G (NM_001377486.1).
Identifiers: ClinVar variation 382047 (VCV000382047.10), dbSNP rs80326128, ClinGen allele CA8191823.

ClinVar aggregate classification (germline): Benign. Review status: criteria provided, multiple submitters, no conflicts (2 of 4 stars). 3 submissions from 3 submitters: Benign (3). Last evaluated 2026-02-02.

Conditions:
Giant axonal neuropathy 1 (GAN1). Also called: GIANT AXONAL NEUROPATHY 1, AUTOSOMAL RECESSIVE; GAN-Related Neurodegeneration. Identifiers: Orphanet 643, MedGen C1850386, MONDO:0009749, OMIM 256850.

Allele frequency attached by ClinVar (database versions not stated): gnomAD exomes 0.00232; ExAC 0.00292; gnomAD 0.00917; 1000 Genomes Project 30x 0.00968; TOPMed 0.01009; 1000 Genomes Project 0.01018; ESP Exome Variant Server 0.01069.
gnomAD v4.1: 2,661 of 1,580,128 alleles (0.17%); highest among the groups gnomAD compares: African/African-American, 3.3%; 52 homozygotes.

Submissions (3):

Labcorp Genetics (formerly Invitae), Labcorp
Classification: Benign for Giant axonal neuropathy 1. Last evaluated: 2026-02-02. Review status: criteria provided, single submitter. Criteria: Invitae Variant Classification Sherloc (09022015). Collection method: clinical testing. Allele origin: germline.

ARUP Laboratories, Molecular Genetics and Genomics, ARUP Laboratories
Classification: Benign for Giant axonal neuropathy 1. Last evaluated: 2022-04-01. Review status: criteria provided, single submitter. Criteria: ARUP Molecular Germline Variant Investigation Process 2021. Collection method: clinical testing. Allele origin: germline.

GeneDx
Classification: Benign. Last evaluated: 2016-07-05. Review status: criteria provided, single submitter. Criteria: GeneDx Variant Classification (06012015). Collection method: clinical testing. Allele origin: germline. Affected: yes.
Comment: This variant is considered likely benign or benign based on one or more of the following criteria: it is a conservative change, it occurs at a poorly conserved position in the protein, it is predicted to be benign by multiple in silico algorithms, and/or has population frequency not consistent with disease.